The following is an entry in ClinVar:

NM_006206.6(PDGFRA):c.2895T>C (p.Ile965=)

Gene: PDGFRA (platelet derived growth factor receptor alpha; plus strand). Cytogenetic location: 4q12.
Variant type: single nucleotide variant.
Coding change: c.2895T>C on transcript NM_006206.6 (MANE Select); coding-DNA position 2895, T replaced by C.
Protein change: p.Ile965=; no amino-acid change (isoleucine 965 retained).
Molecular consequence: synonymous variant.
Genome position (GRCh38, 1-based): chr4:54,290,327, T>C. VCF-style: chr4-54290327-T-C. GRCh37 (hg19) VCF-style: chr4-55156494-T-C.
Other names: c.2970T>C, p.Ile990= (NM_001347828.2); c.2895T>C, p.Ile965= (NM_001347829.2); c.2934T>C, p.Ile978= (NM_001347830.2).
Identifiers: ClinVar variation 4875973 (VCV004875973.1).
Genomic context (GRCh38, chr4:54,290,327, plus strand): 5'-TTTGGTTGTTAACACTTGATTAAATATGTTCAATGAATGTTTATAGAGTTATGAAAAAAT[T>C]CACCTGGACTTCCTGAAGAGTGACCATCCTGCTGTGGCACGCATGCGTGTGGACTCAGAC-3'
Protein context (NP_006197.1, residues 955-975): PGQYKKSYEK[Ile965=]HLDFLKSDHP

ClinVar aggregate classification (germline): Benign (1 of 4 stars; one submission).

Conditions:
Polyps, multiple and recurrent inflammatory fibroid, gastrointestinal. Identifiers: MedGen C5193005, MONDO:0008285, OMIM 175510.

Submission:

Myriad Genetics, Inc.
Classification: Benign for Polyps, multiple and recurrent inflammatory fibroid, gastrointestinal. Last evaluated: 2026-06-17. Review status: criteria provided, single submitter. Criteria: Myriad Autosomal Dominant, Autosomal Recessive and X-Linked Classification Criteria (2023). Collection method: clinical testing. Allele origin: unknown.
Comment: This variant is considered benign. This variant is a silent/synonymous amino acid change and it is not expected to impact splicing.